The following is an entry in ClinVar:

NM_022124.6(CDH23):c.2970C>T (p.Asp990=)

Gene: CDH23 (cadherin related 23; plus strand). Cytogenetic location: 10q22.1.
Variant type: single nucleotide variant.
Coding change: c.2970C>T on transcript NM_022124.6 (MANE Select); coding-DNA position 2970, C replaced by T.
Protein change: p.Asp990=; no amino-acid change (aspartic acid 990 retained).
Molecular consequence: synonymous variant.
Genome position (GRCh38, 1-based): chr10:71,706,913, C>T. VCF-style: chr10-71706913-C-T. GRCh37 (hg19) VCF-style: chr10-73466670-C-T.
Other names: p.Asp990=; c.2970C>T, p.Asp990= (NM_001171930.2, NM_001171931.2).
Identifiers: ClinVar variation 44110 (VCV000044110.63), dbSNP rs56216952, ClinGen allele CA133595.

ClinVar aggregate classification (germline): Conflicting classifications of pathogenicity. Review status: criteria provided, conflicting classifications (1 of 4 stars). 12 submissions from 11 submitters: Uncertain significance (1); Benign (5); Likely benign (5). 1 of the submissions does not count toward it. Last evaluated 2026-06-01.

Conditions:
CDH23-related disorder. Also called: CDH23-related condition; CDH23-related disorders.
Usher syndrome type 1 (USH1). Also called: RETINITIS PIGMENTOSA AND CONGENITAL DEAFNESS. Identifiers: Orphanet 231169, Orphanet 886, MedGen C1568247, MONDO:0010168, OMIM 276900.
Autosomal recessive nonsyndromic hearing loss 12. Also called: DEAFNESS, AUTOSOMAL RECESSIVE 12. Identifiers: Orphanet 90636, MedGen C1832394, MONDO:0011067, OMIM 601386.
Usher syndrome type 1D (USH1D). Also called: USHER SYNDROME, TYPE ID. Identifiers: Orphanet 231169, Orphanet 886, MedGen C1832845, MONDO:0010984, OMIM 601067.

Allele frequency attached by ClinVar (database versions not stated): 1000 Genomes Project 30x 0.00125; 1000 Genomes Project 0.00160; gnomAD 0.00256 and 0.00289; TOPMed 0.00279; ESP Exome Variant Server 0.00314; gnomAD exomes 0.00336 and 0.00464; ExAC 0.00660.
gnomAD v4.1: 7,085 of 1,602,638 alleles (0.44%); highest among the groups gnomAD compares: Non-Finnish European, 0.55%; 24 homozygotes.

Submissions (12):

CeGaT Center for Human Genetics Tuebingen
Classification: Likely benign. Last evaluated: 2026-06-01. Review status: criteria provided, single submitter. Criteria: CeGaT Center For Human Genetics Tuebingen Variant Classification Criteria Version 2. Collection method: clinical testing. Allele origin: germline. Affected: yes. Observed: 13 variant alleles.
Comment: CDH23: BP4, BP7, BS2

Labcorp Genetics (formerly Invitae), Labcorp
Classification: Benign. Last evaluated: 2026-01-31. Review status: criteria provided, single submitter. Criteria: Invitae Variant Classification Sherloc (09022015). Collection method: clinical testing. Allele origin: germline.

PreventionGenetics, part of Exact Sciences
Classification: Likely benign for CDH23-related condition. Last evaluated: 2026-01-12. Review status: criteria provided, single submitter. Criteria: ACMG Guidelines, 2015. Collection method: clinical testing. Allele origin: germline.
Comment: This variant is classified as likely benign based on ACMG/AMP sequence variant interpretation guidelines (Richards et al. 2015 PMID: 25741868, with internal and published modifications).

Mayo Clinic Laboratories, Mayo Clinic
Classification: Benign. Last evaluated: 2021-08-30. Review status: criteria provided, single submitter. Criteria: ACMG Guidelines, 2015. Collection method: clinical testing. Allele origin: germline. Observed: 2 variant alleles.
Comment: BA1, BP4, BP7

Genome-Nilou Lab
Classification: Likely benign for Usher syndrome type 1D. Last evaluated: 2021-05-18. Review status: criteria provided, single submitter. Criteria: ACMG Guidelines, 2015. Collection method: clinical testing. Allele origin: germline. Affected: no.

Athena Diagnostics
Classification: Benign. Last evaluated: 2019-07-09. Review status: criteria provided, single submitter. Criteria: Athena Diagnostics Criteria. Collection method: clinical testing. Allele origin: germline.

GeneDx
Classification: Benign. Last evaluated: 2018-09-04. Review status: criteria provided, single submitter. Criteria: GeneDx Variant Classification Process June 2021. Collection method: clinical testing. Allele origin: germline. Affected: yes.

Illumina Laboratory Services, Illumina
Classification: Likely benign for Usher syndrome type 1D. Last evaluated: 2018-01-12. Review status: criteria provided, single submitter. Criteria: ICSL Variant Classification Criteria 13 December 2019. Collection method: clinical testing. Allele origin: germline.
Comment: This variant was observed in the ICSL laboratory as part of a predisposition screen in an ostensibly healthy population. It had not been previously curated by ICSL or reported in the Human Gene Mutation Database (HGMD: prior to June 1st, 2018), and was therefore a candidate for classification through an automated scoring system. Utilizing variant allele frequency, disease prevalence and penetrance estimates, and inheritance mode, an automated score was calculated to assess if this variant is too frequent to cause the disease. Based on the score and internal cut-off values, a variant classified as likely benign is not then subjected to further curation. The score for this variant resulted in a classification of likely benign for this disease.

Illumina Laboratory Services, Illumina
Classification: Uncertain significance for Autosomal recessive nonsyndromic hearing loss 12. Last evaluated: 2018-01-12. Review status: criteria provided, single submitter. Criteria: ICSL Variant Classification Criteria 13 December 2019. Collection method: clinical testing. Allele origin: germline.

Eurofins Ntd Llc (ga)
Classification: Likely benign. Last evaluated: 2014-11-21. Review status: criteria provided, single submitter. Criteria: EGL Classification Definitions 2015. Collection method: clinical testing. Allele origin: germline. Observed: 1 variant allele, 1 heterozygote.

Laboratory for Molecular Medicine, Mass General Brigham Personalized Medicine
Classification: Benign. Last evaluated: 2012-12-28. Review status: criteria provided, single submitter. Criteria: LMM Criteria. Collection method: clinical testing. Allele origin: germline. Observed: 11 variant alleles.
Comment: Asp990Asp in Exon 26A of CDH23: This variant is not expected to have clinical si gnificance because it does not alter an amino acid residue, is not located withi n the splice consensus sequence, and has been identified in 0.4% (35/8480) of Eu ropean American chromosomes from a broad population by the NHLBI Exome Sequencin g Project (dbSNP rs56216952).

Natera, Inc.
Classification: Benign for Usher syndrome type 1. Last evaluated: 2019-10-21. Review status: no assertion criteria provided. Collection method: clinical testing. Allele origin: germline. Not counted in ClinVar's aggregate classification.